The following is an entry in ClinVar:

NM_002474.3(MYH11):c.1891A>G (p.Met631Val)

Gene: MYH11 (myosin heavy chain 11; minus strand). Cytogenetic location: 16p13.11.
Variant type: single nucleotide variant.
Coding change: c.1891A>G on transcript NM_002474.3 (MANE Select); coding-DNA position 1891, A replaced by G.
Protein change: p.Met631Val; replaces methionine 631 with valine.
Molecular consequence: missense variant.
Genome position (GRCh38, 1-based): chr16:15,750,305, T>C on the plus strand (A>G on the coding strand, the complement: MYH11 is on the minus strand). VCF-style: chr16-15750305-T-C. GRCh37 (hg19) VCF-style: chr16-15844162-T-C.
Other names: c.1891A>G (NM_002474.2); c.1912A>G, p.Met638Val (NM_001040113.2, NM_001040114.2); c.1891A>G, p.Met631Val (NM_022844.3); short protein forms M638V, M631V.
Identifiers: ClinVar variation 4928668 (VCV004928668.2).
Genomic context (GRCh38, chr16:15,750,305, plus strand): 5'-GGAACATGCCCTTCTTGGTCTTGGAGGCGCTGGGCAGCGAGCTCTCCGTCATCTTGGCCA[T>C]CTGGTCCAGGCCCACGATGCGGTCCACTATGGGGCACAGCCAGGGTGGCATCAGCCTCTG-3'
Protein context (NP_002465.1, residues 621-641): DVDRIVGLDQ[Met631Val]AKMTESSLPS

ClinVar aggregate classification (germline): Uncertain significance. Review status: criteria provided, multiple submitters, no conflicts (2 of 4 stars). 2 submissions from 2 submitters: Uncertain significance (2). Last evaluated 2026-07-07.

Conditions:
Familial thoracic aortic aneurysm and aortic dissection (TAAD). Also called: Thoracic aortic aneurysms and dissections. Identifiers: Orphanet 91387, MedGen C4707243, MONDO:0019625.

Submissions (2):

Ambry Genetics
Classification: Uncertain significance for Familial thoracic aortic aneurysm and aortic dissection. Last evaluated: 2026-07-07. Review status: criteria provided, single submitter. Criteria: Ambry Variant Classification Scheme 2023. Collection method: clinical testing. Allele origin: germline.
Comment: The p.M631V variant (also known as c.1891A>G), located in coding exon 15 of the MYH11 gene, results from an A to G substitution at nucleotide position 1891. The methionine at codon 631 is replaced by valine, an amino acid with highly similar properties. This amino acid position is conserved. In addition, this alteration is predicted to be tolerated by in silico analysis. Based on the available evidence, the clinical significance of this variant remains unclear.

Blueprint Genetics
Classification: Uncertain significance. Last evaluated: 2023-08-11. Review status: criteria provided, single submitter. Criteria: ACMG Guidelines, 2015. Collection method: clinical testing. Allele origin: germline.